The following is an entry in ClinVar:

NM_000321.3(RB1):c.221C>T (p.Ala74Val)

Gene: RB1 (RB transcriptional corepressor 1; plus strand). Cytogenetic location: 13q14.2.
Variant type: single nucleotide variant.
Coding change: c.221C>T on transcript NM_000321.3 (MANE Select); coding-DNA position 221, C replaced by T.
Protein change: p.Ala74Val; replaces alanine 74 with valine.
Molecular consequence: missense variant.
Genome position (GRCh38, 1-based): chr13:48,307,363, C>T. VCF-style: chr13-48307363-C-T. GRCh37 (hg19) VCF-style: chr13-48881499-C-T.
Other names: c.221C>T, p.Ala74Val (NM_001407165.1, NM_001407166.1, NM_001407167.1); short protein forms A74V.
Identifiers: ClinVar variation 1787903 (VCV001787903.4), dbSNP rs764472420, ClinGen allele CA388250609.

ClinVar aggregate classification (germline): Uncertain significance. Review status: criteria provided, multiple submitters, no conflicts (2 of 4 stars). 2 submissions from 2 submitters: Uncertain significance (2). Last evaluated 2024-05-21.

Conditions:
Hereditary cancer-predisposing syndrome. Also called: Neoplastic Syndromes, Hereditary; Tumor predisposition; Hereditary Cancer Syndrome; Hereditary neoplastic syndrome. Identifiers: Orphanet 140162, MedGen C0027672, MeSH D009386, MONDO:0015356.
Retinoblastoma (RB1). Also called: RETINOBLASTOMA, SOMATIC. Identifiers: Orphanet 790, MedGen C0035335, MeSH D012175, MONDO:0008380, OMIM 180200, HP:0009919. Disease mechanism: loss of function. Inheritance: Both sporadic and heritable forms are tested..

Submissions (2):

Labcorp Genetics (formerly Invitae), Labcorp
Classification: Uncertain significance for Retinoblastoma. Last evaluated: 2024-05-21. Review status: criteria provided, single submitter. Criteria: Invitae Variant Classification Sherloc (09022015). Collection method: clinical testing. Allele origin: germline.
Comment: This sequence change replaces alanine, which is neutral and non-polar, with valine, which is neutral and non-polar, at codon 74 of the RB1 protein (p.Ala74Val). This variant is not present in population databases (gnomAD no frequency). This variant has not been reported in the literature in individuals affected with RB1-related conditions. ClinVar contains an entry for this variant (Variation ID: 1787903). Advanced modeling of protein sequence and biophysical properties (such as structural, functional, and spatial information, amino acid conservation, physicochemical variation, residue mobility, and thermodynamic stability) performed at Invitae indicates that this missense variant is expected to disrupt RB1 protein function with a positive predictive value of 80%. In summary, the available evidence is currently insufficient to determine the role of this variant in disease. Therefore, it has been classified as a Variant of Uncertain Significance.

Ambry Genetics
Classification: Uncertain significance for Hereditary cancer-predisposing syndrome. Last evaluated: 2021-12-02. Review status: criteria provided, single submitter. Criteria: Ambry Variant Classification Scheme 2023. Collection method: clinical testing. Allele origin: germline.
Comment: The p.A74V variant (also known as c.221C>T), located in coding exon 2 of the RB1 gene, results from a C to T substitution at nucleotide position 221. The alanine at codon 74 is replaced by valine, an amino acid with similar properties. This amino acid position is highly conserved in available vertebrate species. In addition, this alteration is predicted to be deleterious by in silico analysis. Since supporting evidence is limited at this time, the clinical significance of this alteration remains unclear.